The following is an entry in ClinVar:

NM_175914.5(HNF4A):c.740T>C (p.Leu247Pro)

Gene: HNF4A (hepatocyte nuclear factor 4 alpha; plus strand). Cytogenetic location: 20q13.12.
Variant type: single nucleotide variant.
Coding change: c.740T>C on transcript NM_175914.5 (MANE Select); coding-DNA position 740, T replaced by C.
Protein change: p.Leu247Pro; replaces leucine 247 with proline.
Molecular consequence: missense variant.
Genome position (GRCh38, 1-based): chr20:44,419,790, T>C. VCF-style: chr20-44419790-T-C. GRCh37 (hg19) VCF-style: chr20-43048430-T-C.
Other names: NM_175914.5(HNF4A):c.740T>C; p.Leu247Pro; c.806T>C, p.Leu269Pro (NM_000457.6, NM_178849.3, NM_178850.3); c.740T>C, p.Leu247Pro (NM_001030003.3, NM_001030004.3); c.785T>C, p.Leu262Pro (NM_001258355.2); c.731T>C, p.Leu244Pro (NM_001287182.2, NM_001287183.2, NM_001287184.2); c.740T>C (NM_175914.3); short protein forms L244P, L247P, L269P, L262P.
Identifiers: ClinVar variation 435438 (VCV000435438.11), dbSNP rs1555816654, ClinGen allele CA409107461.
Genomic context (GRCh38, chr20:44,419,790, plus strand): 5'-ACATTGTCCCTCGGCACTGCCCGGAGCTGGCGGAGATGAGCCGGGTGTCCATACGCATCC[T>C]TGACGAGCTGGTGCTGCCCTTCCAGGAGCTGCAGATCGATGACAATGAGTATGCCTACCT-3'
Protein context (NP_787110.2, residues 237-257): AEMSRVSIRI[Leu247Pro]DELVLPFQEL

ClinVar aggregate classification (germline): Pathogenic. Review status: reviewed by expert panel (3 of 4 stars). 4 submissions from 4 submitters: Pathogenic (1). 3 of the submissions do not count toward it. Last evaluated 2024-08-30.

Conditions:
Monogenic diabetes. Identifiers: Orphanet 183625, MedGen C3888631, MONDO:0015967.
Maturity-onset diabetes of the young type 1. Also called: MILD JUVENILE DIABETES MELLITUS; MODY type 1; Diabetes mellitus MODY type 1; MODY HNF4A related; HNF4A-Related Maturity-Onset Diabetes of the Young Type 1; MODY, type I. Identifiers: Orphanet 552, MedGen C1852093, MONDO:0007452, OMIM 125850. Disease mechanism: loss of function.

Submissions (4):

ClinGen Monogenic Diabetes Variant Curation Expert Panel
Classification: Pathogenic for Monogenic diabetes. Last evaluated: 2024-08-30. Review status: reviewed by expert panel. Criteria: ClinGen Diabetes ACMG Specifications HNF4A V2.0.0. Collection method: curation. Allele origin: germline. Inheritance: Autosomal dominant inheritance.
Comment: The c.740T>C variant in the hepatocyte nuclear factor 4-alpha gene, HNF4A, causes an amino acid change of leucine to proline at codon 247 (p.(Leu247Pro)) of NM_175914.5. This variant is absent in gnomAD v2.1.1 (PM2_Supporting) and is predicted to be deleterious by computational evidence, with a REVEL score of 0.979, which is greater than the MDEP VCEP threshold of 0.70 (PP3). This variant was identified in seven unrelated individuals with non-autoimmune and non-absolute/near-absolute insulin-deficient diabetes (PS4; PMID:23771925, internal lab contributors). This variant was identified in an individual with a clinical history highly specific for HNF4A-monogenic diabetes (MODY probability calculator result >50%, negative genetic testing for HNF1A, and response to low-dose SU ) (PP4_Moderate; internal lab contributors). This variant was segregated with diabetes, with three informative meioses in two families (PP1_Moderate; internal lab contributors). In summary, c.733G>C meets the criteria to be classified as pathogenic for monogenic diabetes. ACMG/AMP criteria applied, as specified by the ClinGen MDEP (specification version 2.0.0, approved 10/11/2023): PS4, PP1_moderate, PP3, PP4_moderate, PM2_Supporting.

Labcorp Genetics (formerly Invitae), Labcorp
Classification: Uncertain significance. Last evaluated: 2025-01-22. Review status: criteria provided, single submitter. Criteria: Invitae Variant Classification Sherloc (09022015). Collection method: clinical testing. Allele origin: germline. Not counted in ClinVar's aggregate classification.
Comment: This sequence change replaces leucine, which is neutral and non-polar, with proline, which is neutral and non-polar, at codon 247 of the HNF4A protein (p.Leu247Pro). This variant is not present in population databases (gnomAD no frequency). This missense change has been observed in individual(s) with maturity onset diabetes of the young (PMID: 23771925, 34789499). This variant is also known as c.779T>C p.L260P. ClinVar contains an entry for this variant (Variation ID: 435438). Invitae Evidence Modeling of protein sequence and biophysical properties (such as structural, functional, and spatial information, amino acid conservation, physicochemical variation, residue mobility, and thermodynamic stability) has been performed for this missense variant. However, the output from this modeling did not meet the statistical confidence thresholds required to predict the impact of this variant on HNF4A protein function. In summary, the available evidence is currently insufficient to determine the role of this variant in disease. Therefore, it has been classified as a Variant of Uncertain Significance.

GeneDx
Classification: Uncertain significance. Last evaluated: 2020-06-25. Review status: criteria provided, single submitter. Criteria: GeneDx Variant Classification Process June 2021. Collection method: clinical testing. Allele origin: germline. Affected: yes. Not counted in ClinVar's aggregate classification.
Comment: Not observed in large population cohorts (Lek et al., 2016); In silico analysis, which includes protein predictors and evolutionary conservation, supports a deleterious effect; Identified in one patient with maturity onset diabetes of the young, however, family segregation and functional studies were not performed; please note that this variant is reported using alternate nomenclature L260P (Pihoker et al., 2013); This variant is associated with the following publications: (PMID: 23771925)

Genetic Services Laboratory, University of Chicago
Classification: Likely pathogenic for MODY, type I. Last evaluated: 2016-04-29. Review status: criteria provided, single submitter. Criteria: ACMG Guidelines, 2015. Collection method: clinical testing. Allele origin: germline. Affected: yes. Not counted in ClinVar's aggregate classification.

Literature cited by the submitters: PubMed 23771925 (cited by Labcorp Genetics (formerly Invitae), Labcorp); PubMed 34789499 (cited by Labcorp Genetics (formerly Invitae), Labcorp).